The following is an entry in ClinVar:

ClinVar aggregate classification (germline): Conflicting classifications of pathogenicity. Review status: criteria provided, conflicting classifications (1 of 4 stars). 4 submissions from 4 submitters: Uncertain significance (2); Likely benign (2). Last evaluated 2025-01-01.

Conditions:
Hypercholesterolemia, autosomal dominant, 3 (FHCL3). Also called: Familial Hypercholesterolemia, Autosomal Dominant, 3; PCSK9-Related Familial Hypercholesterolemia, Autosomal Dominant; Familial hypercholesterolemia 3. Identifiers: MedGen C1863551, MONDO:0011369, OMIM 603776.
Cardiovascular phenotype. Identifiers: MedGen CN230736.
Familial hypercholesterolemia. Also called: Familial hypercholesterolemias; Familial hypercholesterolaemia. Identifiers: MedGen C0020445, MONDO:0005439.

Allele frequency attached by ClinVar (database versions not stated): gnomAD 0.00001; gnomAD exomes 0.00004 and 0.00006; ExAC 0.00007.

Submissions (4):

Labcorp Genetics (formerly Invitae), Labcorp
Classification: Likely benign for Hypercholesterolemia, autosomal dominant, 3. Last evaluated: 2025-01-01. Review status: criteria provided, single submitter. Criteria: Invitae Variant Classification Sherloc (09022015). Collection method: clinical testing. Allele origin: germline.

All of Us Research Program, National Institutes of Health
Classification: Uncertain significance for Hypercholesterolemia, autosomal dominant, 3. Last evaluated: 2024-04-25. Review status: criteria provided, single submitter. Criteria: ACMG Guidelines, 2015. Collection method: clinical testing. Allele origin: germline. Inheritance: Autosomal dominant inheritance. Observed: 3 variant alleles, 3 heterozygotes.
Comment: This missense variant replaces arginine with glycine at codon 657 of the PCSK9 protein. Computational prediction suggests that this variant may not impact protein structure and function (internally defined REVEL score threshold <= 0.5, PMID: 27666373). To our knowledge, functional studies have not been reported for this variant. This variant has not been reported in individuals affected with familial hypercholesterolemia in the literature. This variant has been identified in 15/250980 chromosomes in the general population by the Genome Aggregation Database (gnomAD). The available evidence is insufficient to determine the role of this variant in disease conclusively. Therefore, this variant is classified as a Variant of Uncertain Significance.

This study involves interpretation of variants in research participants for the purpose of population health screening. Participant phenotype was not available at the time of variant classification. Additional details can be found in publication PMID: 35346344, PMCID: PMC8962531

Color Diagnostics, LLC DBA Color Health
Classification: Uncertain significance for Familial hypercholesterolemia. Last evaluated: 2024-03-06. Review status: criteria provided, single submitter. Criteria: ACMG Guidelines, 2015. Collection method: clinical testing. Allele origin: germline.
Comment: This missense variant replaces arginine with glycine at codon 657 of the PCSK9 protein. Computational prediction suggests that this variant may not impact protein structure and function (internally defined REVEL score threshold <= 0.5, PMID: 27666373). To our knowledge, functional studies have not been reported for this variant. This variant has not been reported in individuals affected with PCSK9-related disorders in the literature. This variant has been identified in 15/250980 chromosomes in the general population by the Genome Aggregation Database (gnomAD). The available evidence is insufficient to determine the role of this variant in disease conclusively. Therefore, this variant is classified as a Variant of Uncertain Significance.

Ambry Genetics
Classification: Likely benign for Cardiovascular phenotype. Last evaluated: 2023-11-12. Review status: criteria provided, single submitter. Criteria: Ambry Variant Classification Scheme 2023. Collection method: clinical testing. Allele origin: germline.

NM_174936.4(PCSK9):c.1969A>G (p.Arg657Gly)

Gene: PCSK9 (proprotein convertase subtilisin/kexin type 9; plus strand). Cytogenetic location: 1p32.3.
Variant type: single nucleotide variant.
Coding change: c.1969A>G on transcript NM_174936.4 (MANE Select); coding-DNA position 1969, A replaced by G.
Protein change: p.Arg657Gly; replaces arginine 657 with glycine.
Molecular consequence: missense variant.
Genome position (GRCh38, 1-based): chr1:55,063,474, A>G. VCF-style: chr1-55063474-A-G. GRCh37 (hg19) VCF-style: chr1-55529147-A-G.
Other names: c.2092A>G, p.Arg698Gly (NM_001407240.1); c.2011A>G, p.Arg671Gly (NM_001407241.1); c.1972A>G, p.Arg658Gly (NM_001407242.1); c.1912A>G, p.Arg638Gly (NM_001407243.1); c.1795A>G, p.Arg599Gly (NM_001407244.1); c.1777A>G, p.Arg593Gly (NM_001407245.1); c.1594A>G, p.Arg532Gly (NM_001407246.1); c.1468A>G, p.Arg490Gly (NM_001407247.1); short protein forms R657G, R638G, R658G, R599G, R593G, R671G, R490G, R532G.
Identifiers: ClinVar variation 630173 (VCV000630173.17), dbSNP rs767286042, ClinGen allele CA039983.